The following is an entry in ClinVar:

ClinVar aggregate classification (germline): Likely pathogenic (1 of 4 stars; one submission).

Conditions:
Fabry disease. Also called: ALPHA-GALACTOSIDASE A DEFICIENCY; ANDERSON-FABRY DISEASE; CERAMIDE TRIHEXOSIDASE DEFICIENCY; GLA DEFICIENCY; HEREDITARY DYSTOPIC LIPIDOSIS; Angiokeratoma corporis diffusum. Identifiers: Orphanet 324, MedGen C0002986, MONDO:0010526, OMIM 301500, HP:0001071. Disease mechanism: Fabry disease is due to inactivating mutations in the X-linked GLA gene resulting in deficiency of the enzyme Alpha Galactosidase-A., loss of function.

Submission:

Genomenon, Inc
Classification: Likely pathogenic for Fabry disease. Last evaluated: 2026-09-08. Review status: criteria provided, single submitter. Criteria: Genomenon Sequence Variant Interpretation Standards - Updated. Collection method: curation. Allele origin: germline. Affected: yes.
Comment: GLA p.Gly360Ser (c.1078G>A) is a missense variant that changes the amino acid at codon 360 from Glycine to Serine. This variant has been observed in at least one proband with clinical features consistent with Fabry disease (PMID:36574104;30386727;27904112;18651238;17040996;15806320;35338595). At least one functional study has demonstrated a substantial alteration in protein function relative to the wild-type (PMID:26415523). It is absent or not present at a significant frequency in gnomAD. In silico models predict that this variant is possibly or probably damaging. In conclusion, we classify GLA p.Gly360Ser (c.1078G>A) as a likely pathogenic variant.

Literature cited by the submitters: PubMed 36574104; PubMed 30386727; PubMed 27904112; PubMed 18651238; PubMed 17040996; PubMed 15806320; PubMed 35338595; PubMed 26415523.

NM_000169.3(GLA):c.1078G>A (p.Gly360Ser)

Genes: GLA (galactosidase alpha; minus strand), RPL36A-HNRNPH2 (RPL36A-HNRNPH2 readthrough; plus strand). Cytogenetic location: Xq22.1.
Variant type: single nucleotide variant.
Coding change: c.1078G>A on transcript NM_000169.3 (MANE Select); coding-DNA position 1078, G replaced by A.
Protein change: p.Gly360Ser; replaces glycine 360 with serine.
Molecular consequence: missense variant. On other transcripts: non-coding transcript variant (3), intron variant (2).
Genome position (GRCh38, 1-based): chrX:101,398,021, C>T on the plus strand (G>A on the coding strand, the complement: GLA is on the minus strand). VCF-style: chrX-101398021-C-T. GRCh37 (hg19) VCF-style: chrX-100653009-C-T.
Other names: c.1201G>A, p.Gly401Ser (NM_001406747.1); c.300+2564C>T (NM_001199973.2); c.177+6199C>T (NM_001199974.2); short protein forms G360S, G401S.
Identifiers: ClinVar variation 4087635 (VCV004087635.2), dbSNP rs782598150.